The following is an entry in ClinVar:

ClinVar aggregate classification (germline): Pathogenic (1 of 4 stars; one submission).

Conditions:
Mucopolysaccharidosis, MPS-II (MPS2). Also called: Attenuated MPS (subtype; formerly known as mild MPS II); Severe MPS II; I2S deficiency; MPS 2; IDS deficiency; Sulfoiduronate sulfatase deficiency. Identifiers: Orphanet 580, Orphanet 79388, MedGen C0026705, MONDO:0010674, OMIM 309900.

Submission:

Labcorp Genetics (formerly Invitae), Labcorp
Classification: Pathogenic for Mucopolysaccharidosis, MPS-II. Last evaluated: 2017-05-09. Review status: criteria provided, single submitter. Criteria: Invitae Variant Classification Sherloc (09022015). Collection method: clinical testing. Allele origin: germline.
Comment: A gross deletion of the genomic region encompassing the full coding sequence of the IDS gene has been identified. The boundaries of this event are unknown as the deletion extends beyond the assayed region for this gene and therefore may encompass additional genes. Loss-of-function variants in IDS are known to be pathogenic. Deletions of the entire IDS gene have been reported in the literature in individuals affected with mucopolysaccharidosis II (PMID: 8829661, 17343270, 22190500, 22492741, 26762690). For these reasons, this variant has been classified as Pathogenic.

NC_000023.10:g.(?_148564257)_(148586687_?)del

Gene: IDS (iduronate 2-sulfatase; minus strand). Cytogenetic location: Xq28.
Variant type: Deletion.
Identifiers: ClinVar variation 457352 (VCV000457352.1).